The following is an entry in ClinVar:

ClinVar aggregate classification (germline): Uncertain significance (1 of 4 stars; one submission).

Conditions:
Jeune thoracic dystrophy. Also called: Jeune syndrome; Infantile thoracic dystrophy; Thoracic pelvic phalangeal dystrophy; Jeune's syndrome; Chondroectodermal dysplasia-like syndrome; Short-rib thoracic dysplasia. Identifiers: Orphanet 474, MedGen C0265275, MONDO:0018770.

gnomAD v4.1: 2 of 1,612,736 alleles (0.00012%); highest among the groups gnomAD compares: Non-Finnish European, 0.000085%; no homozygotes.

Submission:

Labcorp Genetics (formerly Invitae), Labcorp
Classification: Uncertain significance for Jeune thoracic dystrophy. Last evaluated: 2025-07-08. Review status: criteria provided, single submitter. Criteria: Invitae Variant Classification Sherloc (09022015). Collection method: clinical testing. Allele origin: germline.
Comment: This sequence change replaces valine, which is neutral and non-polar, with alanine, which is neutral and non-polar, at codon 4162 of the DYNC2H1 protein (p.Val4162Ala). This variant is not present in population databases (gnomAD no frequency). This variant has not been reported in the literature in individuals affected with DYNC2H1-related conditions. Invitae Evidence Modeling of protein sequence and biophysical properties (such as structural, functional, and spatial information, amino acid conservation, physicochemical variation, residue mobility, and thermodynamic stability) indicates that this missense variant is not expected to disrupt DYNC2H1 protein function with a negative predictive value of 95%. In summary, the available evidence is currently insufficient to determine the role of this variant in disease. Therefore, it has been classified as a Variant of Uncertain Significance.

NM_001377.3(DYNC2H1):c.12464T>C (p.Val4155Ala)

Gene: DYNC2H1 (dynein cytoplasmic 2 heavy chain 1; plus strand). Cytogenetic location: 11q22.3.
Variant type: single nucleotide variant.
Coding change: c.12464T>C on transcript NM_001377.3 (MANE Select); coding-DNA position 12464, T replaced by C.
Protein change: p.Val4155Ala; replaces valine 4155 with alanine.
Molecular consequence: missense variant.
Genome position (GRCh38, 1-based): chr11:103,455,193, T>C. VCF-style: chr11-103455193-T-C. GRCh37 (hg19) VCF-style: chr11-103325921-T-C.
Other names: c.12485T>C, p.Val4162Ala (NM_001080463.2); short protein forms V4162A, V4155A.
Identifiers: ClinVar variation 4777384 (VCV004777384.1).